The following is an entry in ClinVar:

ClinVar aggregate classification (germline): Benign/Likely benign. Review status: criteria provided, multiple submitters, no conflicts (2 of 4 stars). 7 submissions from 7 submitters: Benign (1); Likely benign (5). 1 of the submissions does not count toward it. Last evaluated 2026-05-20.

Conditions:
COL4A2-related disorder. Also called: COL4A2-related disorders; COL4A2-related condition.
Inborn genetic diseases. Identifiers: MedGen C0950123, MeSH D030342.
Brain small vessel disease 2A, autosomal dominant. Also called: Porencephaly 2. Identifiers: Orphanet 2940, Orphanet 99810, MedGen C3280970, MONDO:0013773, OMIM 614483.

Allele frequency attached by ClinVar (database versions not stated): ExAC 0.00033; 1000 Genomes Project 30x 0.00047; 1000 Genomes Project 0.00060; gnomAD 0.00127 and 0.00138; TOPMed 0.00150; ESP Exome Variant Server 0.00185.
gnomAD v4.1: 383 of 1,613,954 alleles (0.024%); highest among the groups gnomAD compares: African/African-American, 0.46%; 1 homozygote.

Submissions (7):

Women's Health and Genetics/Laboratory Corporation of America, LabCorp
Classification: Likely benign. Last evaluated: 2026-05-20. Review status: criteria provided, single submitter. Criteria: LabCorp Variant Classification Summary - May 2015. Collection method: clinical testing. Allele origin: germline.
Comment: Variant summary: COL4A2 c.3920C>G (p.Pro1307Arg) results in a non-conservative amino acid change in the encoded protein sequence. Algorithms developed to predict the effect of missense changes on protein structure and function all suggest that this variant is likely to be disruptive. The variant allele was found at a frequency of 0.00027 in 249138 control chromosomes, predominantly at a frequency of 0.0041 within the African or African-American subpopulation in the gnomAD database. The observed variant frequency within African or African-American control individuals in the gnomAD database exceeds the estimated maximal expected allele frequency for disease-causing variants in COL4A2. To our knowledge, no occurrence of c.3920C>G in individuals affected with COL4A2-related conditions and no experimental evidence demonstrating its impact on protein function have been reported. ClinVar contains an entry for this variant (Variation ID: 392751). Based on the evidence outlined above, the variant was classified as likely benign.

Labcorp Genetics (formerly Invitae), Labcorp
Classification: Likely benign. Last evaluated: 2025-11-10. Review status: criteria provided, single submitter. Criteria: Invitae Variant Classification Sherloc (09022015). Collection method: clinical testing. Allele origin: germline.

Blueprint Genetics
Classification: Likely benign. Last evaluated: 2024-10-08. Review status: criteria provided, single submitter. Criteria: ACMG Guidelines, 2015. Collection method: clinical testing. Allele origin: germline.

Ambry Genetics
Classification: Likely benign for Inborn genetic diseases. Last evaluated: 2022-09-22. Review status: criteria provided, single submitter. Criteria: Ambry Variant Classification Scheme 2023. Collection method: clinical testing. Allele origin: germline.

GeneDx
Classification: Likely benign. Last evaluated: 2020-02-21. Review status: criteria provided, single submitter. Criteria: GeneDx Variant Classification Process June 2021. Collection method: clinical testing. Allele origin: germline. Affected: yes.
Comment: In silico analysis supports that this missense variant has a deleterious effect on protein structure/function

Illumina Laboratory Services, Illumina
Classification: Benign for Brain small vessel disease 2A, autosomal dominant. Last evaluated: 2018-01-12. Review status: criteria provided, single submitter. Criteria: ICSL Variant Classification Criteria 13 December 2019. Collection method: clinical testing. Allele origin: germline.
Comment: This variant was observed in the ICSL laboratory as part of a predisposition screen in an ostensibly healthy population. It had not been previously curated by ICSL or reported in the Human Gene Mutation Database (HGMD: prior to June 1st, 2018), and was therefore a candidate for classification through an automated scoring system. Utilizing variant allele frequency, disease prevalence and penetrance estimates, and inheritance mode, an automated score was calculated to assess if this variant is too frequent to cause the disease. Based on the score and internal cut-off values, a variant classified as benign is not then subjected to further curation. The score for this variant resulted in a classification of benign for this disease.

PreventionGenetics, part of Exact Sciences
Classification: Likely benign for COL4A2-related condition. Last evaluated: 2021-09-27. Review status: no assertion criteria provided. Collection method: clinical testing. Allele origin: germline. Not counted in ClinVar's aggregate classification.
Comment: This variant is classified as likely benign based on ACMG/AMP sequence variant interpretation guidelines (Richards et al. 2015 PMID: 25741868, with internal and published modifications).

NM_001846.4(COL4A2):c.3920C>G (p.Pro1307Arg)

Genes: COL4A2 (collagen type IV alpha 2 chain; plus strand), COL4A2-AS1 (COL4A2 antisense RNA 1; minus strand). Cytogenetic location: 13q34.
Variant type: single nucleotide variant.
Coding change: c.3920C>G on transcript NM_001846.4 (MANE Select); coding-DNA position 3920, C replaced by G.
Protein change: p.Pro1307Arg; replaces proline 1307 with arginine.
Molecular consequence: missense variant.
Genome position (GRCh38, 1-based): chr13:110,503,163, C>G. VCF-style: chr13-110503163-C-G. GRCh37 (hg19) VCF-style: chr13-111155510-C-G.
Other names: short protein forms P1307R.
Identifiers: ClinVar variation 392751 (VCV000392751.19), dbSNP rs201627758, ClinGen allele CA7050361.